The following is an entry in ClinVar:

ClinVar aggregate classification (germline): Uncertain significance (1 of 4 stars; one submission).

Conditions:
Cardiovascular phenotype. Identifiers: MedGen CN230736.

Submission:

Ambry Genetics
Classification: Uncertain significance for Cardiovascular phenotype. Last evaluated: 2023-01-01. Review status: criteria provided, single submitter. Criteria: Ambry Variant Classification Scheme 2023. Collection method: clinical testing. Allele origin: germline.
Comment: The p.I402S variant (also known as c.1205T>G), located in coding exon 8 of the LMF1 gene, results from a T to G substitution at nucleotide position 1205. The isoleucine at codon 402 is replaced by serine, an amino acid with dissimilar properties. This amino acid position is conserved. In addition, the in silico prediction for this alteration is inconclusive. Since supporting evidence is limited at this time, the clinical significance of this alteration remains unclear.

NM_022773.4(LMF1):c.1205T>G (p.Ile402Ser)

Gene: LMF1 (lipase maturation factor 1; minus strand). Cytogenetic location: 16p13.3.
Variant type: single nucleotide variant.
Coding change: c.1205T>G on transcript NM_022773.4 (MANE Select); coding-DNA position 1205, T replaced by G.
Protein change: p.Ile402Ser; replaces isoleucine 402 with serine.
Molecular consequence: missense variant. On other transcripts: non-coding transcript variant (1).
Genome position (GRCh38, 1-based): chr16:870,756, A>C on the plus strand (T>G on the coding strand, the complement: LMF1 is on the minus strand). VCF-style: chr16-870756-A-C. GRCh37 (hg19) VCF-style: chr16-920756-A-C.
Other names: c.554T>G, p.Ile185Ser (NM_001352017.2, NM_001352021.2); c.806T>G, p.Ile269Ser (NM_001352018.2); c.878T>G, p.Ile293Ser (NM_001352019.2); c.1205T>G, p.Ile402Ser (NM_001352020.1); short protein forms I402S, I185S, I269S, I293S.
Identifiers: ClinVar variation 2451804 (VCV002451804.2), dbSNP rs2544495743, ClinGen allele CA394125980.